The following is an entry in ClinVar:

ClinVar aggregate classification (germline): Likely pathogenic (1 of 4 stars; one submission).

Submission:

Labcorp Genetics (formerly Invitae), Labcorp
Classification: Likely pathogenic. Last evaluated: 2023-10-17. Review status: criteria provided, single submitter. Criteria: Invitae Variant Classification Sherloc (09022015). Collection method: clinical testing. Allele origin: germline.
Comment: This sequence change affects a donor splice site in intron 23 of the TBCK gene. It is expected to disrupt RNA splicing. Variants that disrupt the donor or acceptor splice site typically lead to a loss of protein function (PMID: 16199547), and loss-of-function variants in TBCK are known to be pathogenic (PMID: 27040692, 30103036). This variant is not present in population databases (gnomAD no frequency). This variant has not been reported in the literature in individuals affected with TBCK-related conditions. Algorithms developed to predict the effect of sequence changes on RNA splicing suggest that this variant may disrupt the consensus splice site. In summary, the currently available evidence indicates that the variant is pathogenic, but additional data are needed to prove that conclusively. Therefore, this variant has been classified as Likely Pathogenic.

Literature cited by the submitters: PubMed 16199547; PubMed 27040692; PubMed 30103036.

NM_001163435.3(TBCK):c.2235+1G>A

Gene: TBCK (TBC1 domain containing kinase; minus strand). Cytogenetic location: 4q24.
Variant type: single nucleotide variant.
Coding change: c.2235+1G>A on transcript NM_001163435.3 (MANE Select); the canonical splice donor site of the intron after coding-DNA position 2235, G replaced by A.
Molecular consequence: splice donor variant.
Genome position (GRCh38, 1-based): chr4:106,171,094, C>T on the plus strand (G>A on the coding strand, the complement: TBCK is on the minus strand). VCF-style: chr4-106171094-C-T. GRCh37 (hg19) VCF-style: chr4-107092251-C-T.
Other names: c.2235+1G>A (NM_001163436.4); c.2046+1G>A (NM_033115.5); c.2118+1G>A (NM_001163437.3); c.1719+1G>A (NM_001290768.2).
Identifiers: ClinVar variation 2769253 (VCV002769253.3), dbSNP rs778219583, ClinGen allele CA357819052.